The following is an entry in ClinVar:

NM_138638.5(CFL2):c.313del

Gene: CFL2 (cofilin 2; minus strand). Cytogenetic location: 14q13.1.
Variant type: Deletion.
Coding change: c.313del on transcript NM_138638.5 (MANE Select); coding-DNA position 313, one base deleted (G; older notation c.313delG).
Molecular consequence: splice acceptor variant.
Genome position (GRCh38, 1-based): chr14:34,713,135, C deleted on the plus strand (G on the coding strand, the reverse complement: CFL2 is on the minus strand); the first of 3 consecutive C bases (chr14:34,713,135-34,713,137); deleting any one gives the same sequence. VCF-style (leftmost placement, unchanged base first): chr14-34713134-GC-G. GRCh37 (hg19) VCF-style: chr14-35182340-GC-G.
Identifiers: ClinVar variation 5005319 (VCV005005319.2).

ClinVar aggregate classification (germline): Likely pathogenic (1 of 4 stars; one submission).

Conditions:
Nemaline myopathy 7 (NEM7). Also called: Nemaline myopathy 7, autosomal recessive. Identifiers: Orphanet 171436, MedGen C1853154, MONDO:0012538, OMIM 610687.

Submission:

Juno Genomics, Hangzhou Juno Genomics, Inc
Classification: Likely pathogenic for Nemaline myopathy 7. Review status: criteria provided, single submitter. Criteria: ACMG Guidelines, 2015. Collection method: clinical testing. Allele origin: germline.
Comment: Null variant in a gene where loss of function (LOF) is a known mechanism of disease.;Absent from controls (or at extremely low frequency if recessive) in Genome Aggregation Database.